The following is an entry in ClinVar:

ClinVar aggregate classification (germline): Uncertain significance. Review status: criteria provided, multiple submitters, no conflicts (2 of 4 stars). 2 submissions from 2 submitters: Uncertain significance (2). Last evaluated 2023-04-12.

Conditions:
Inborn genetic diseases. Identifiers: MedGen C0950123, MeSH D030342.

Allele frequency attached by ClinVar (database versions not stated): gnomAD exomes below 0.00001 and 0.00004; ExAC 0.00002; gnomAD 0.00002; TOPMed 0.00003.
gnomAD v4.1: 8 of 1,613,102 alleles (0.0005%); highest among the groups gnomAD compares: East Asian, 0.018%; no homozygotes.

Submissions (2):

Labcorp Genetics (formerly Invitae), Labcorp
Classification: Uncertain significance. Last evaluated: 2023-04-12. Review status: criteria provided, single submitter. Criteria: Invitae Variant Classification Sherloc (09022015). Collection method: clinical testing. Allele origin: germline.
Comment: In summary, the available evidence is currently insufficient to determine the role of this variant in disease. Therefore, it has been classified as a Variant of Uncertain Significance. An algorithm developed to predict the effect of missense changes on protein structure and function (PolyPhen-2) suggests that this variant is likely to be disruptive. ClinVar contains an entry for this variant (Variation ID: 1418295). This variant has not been reported in the literature in individuals affected with VCAN-related conditions. This variant is present in population databases (rs754335466, gnomAD 0.06%). This sequence change replaces cysteine, which is neutral and slightly polar, with serine, which is neutral and polar, at codon 1396 of the VCAN protein (p.Cys1396Ser).

Ambry Genetics
Classification: Uncertain significance for Inborn genetic diseases. Last evaluated: 2023-02-07. Review status: criteria provided, single submitter. Criteria: Ambry Variant Classification Scheme 2023. Collection method: clinical testing. Allele origin: germline.

NM_004385.5(VCAN):c.4186T>A (p.Cys1396Ser)

Genes: VCAN (versican; plus strand), VCAN-AS1 (VCAN antisense RNA 1; minus strand). Cytogenetic location: 5q14.3.
Variant type: single nucleotide variant.
Coding change: c.4186T>A on transcript NM_004385.5 (MANE Select); coding-DNA position 4186, T replaced by A.
Protein change: p.Cys1396Ser; replaces cysteine 1396 with serine.
Molecular consequence: missense variant. On other transcripts: intron variant (2).
Genome position (GRCh38, 1-based): chr5:83,537,189, T>A. VCF-style: chr5-83537189-T-A. GRCh37 (hg19) VCF-style: chr5-82833008-T-A.
Other names: c.1225T>A, p.Cys409Ser (NM_001164097.2); c.4004-8348T>A (NM_001164098.2); c.1043-8348T>A (NM_001126336.3); c.4186T>A (NM_004385.4); short protein forms C409S, C1396S.
Identifiers: ClinVar variation 1418295 (VCV001418295.9), dbSNP rs754335466, ClinGen allele CA3333134.